The following is an entry in ClinVar:

NM_182972.3(IRF2BP2):c.1334A>G (p.Asn445Ser)

Gene: IRF2BP2 (interferon regulatory factor 2 binding protein 2; minus strand). Cytogenetic location: 1q42.3.
Variant type: single nucleotide variant.
Coding change: c.1334A>G on transcript NM_182972.3 (MANE Select); coding-DNA position 1334, A replaced by G.
Protein change: p.Asn445Ser; replaces asparagine 445 with serine.
Molecular consequence: missense variant.
Genome position (GRCh38, 1-based): chr1:234,607,567, T>C on the plus strand (A>G on the coding strand, the complement: IRF2BP2 is on the minus strand). VCF-style: chr1-234607567-T-C. GRCh37 (hg19) VCF-style: chr1-234743313-T-C.
Other names: c.1286A>G, p.Asn429Ser (NM_001077397.1); short protein forms N445S, N429S.
Identifiers: ClinVar variation 1351328 (VCV001351328.8), dbSNP rs201835390, ClinGen allele CA1461585.

ClinVar aggregate classification (germline): Uncertain significance (1 of 4 stars; one submission).

Allele frequency attached by ClinVar (database versions not stated): 1000 Genomes Project 30x 0.00016; 1000 Genomes Project 0.00020.
gnomAD v4.1: 20 of 1,614,204 alleles (0.0012%); highest among the groups gnomAD compares: Non-Finnish European, 0.001%; no homozygotes.

Submission:

Labcorp Genetics (formerly Invitae), Labcorp
Classification: Uncertain significance. Last evaluated: 2023-11-28. Review status: criteria provided, single submitter. Criteria: Invitae Variant Classification Sherloc (09022015). Collection method: clinical testing. Allele origin: germline.
Comment: This sequence change replaces asparagine, which is neutral and polar, with serine, which is neutral and polar, at codon 445 of the IRF2BP2 protein (p.Asn445Ser). This variant is present in population databases (rs201835390, gnomAD 0.03%). This variant has not been reported in the literature in individuals affected with IRF2BP2-related conditions. ClinVar contains an entry for this variant (Variation ID: 1351328). Algorithms developed to predict the effect of missense changes on protein structure and function output the following: SIFT: "Not Available"; PolyPhen-2: "Benign"; Align-GVGD: "Not Available". The serine amino acid residue is found in multiple mammalian species, which suggests that this missense change does not adversely affect protein function. In summary, the available evidence is currently insufficient to determine the role of this variant in disease. Therefore, it has been classified as a Variant of Uncertain Significance.